The following is an entry in ClinVar:

NM_021625.5(TRPV4):c.2433G>T (p.Ser811=)

Gene: TRPV4 (transient receptor potential cation channel subfamily V member 4; minus strand). Cytogenetic location: 12q24.11.
Variant type: single nucleotide variant.
Coding change: c.2433G>T on transcript NM_021625.5 (MANE Select); coding-DNA position 2433, G replaced by T.
Protein change: p.Ser811=; no amino-acid change (serine 811 retained).
Molecular consequence: synonymous variant.
Genome position (GRCh38, 1-based): chr12:109,784,341, C>A on the plus strand (G>T on the coding strand, the complement: TRPV4 is on the minus strand). VCF-style: chr12-109784341-C-A. GRCh37 (hg19) VCF-style: chr12-110222146-C-A.
Other names: c.2292G>T, p.Ser764= (NM_001177428.2); c.2331G>T, p.Ser777= (NM_001177431.2); c.2112G>T, p.Ser704= (NM_001177433.2); c.2253G>T, p.Ser751= (NM_147204.3).
Identifiers: ClinVar variation 5041066 (VCV005041066.1).

ClinVar aggregate classification (germline): Likely benign (1 of 4 stars; one submission).

gnomAD v4.1: 4 of 1,614,150 alleles (0.00025%); highest among the groups gnomAD compares: Non-Finnish European, 0.00034%; no homozygotes.

Submission:

CeGaT Center for Human Genetics Tuebingen
Classification: Likely benign. Last evaluated: 2026-09-01. Review status: criteria provided, single submitter. Criteria: CeGaT Center For Human Genetics Tuebingen Variant Classification Criteria Version 2. Collection method: clinical testing. Allele origin: germline. Affected: yes. Observed: 1 variant allele.
Comment: TRPV4: BP4, BP7